The following is an entry in ClinVar:

NM_002335.4(LRP5):c.4000+9C>T

Gene: LRP5 (LDL receptor related protein 5; plus strand). Cytogenetic location: 11q13.2.
Variant type: single nucleotide variant.
Coding change: c.4000+9C>T on transcript NM_002335.4 (MANE Select); 9 bases into the intron after coding-DNA position 4000, C replaced by T.
Molecular consequence: intron variant.
Genome position (GRCh38, 1-based): chr11:68,433,847, C>T. VCF-style: chr11-68433847-C-T. GRCh37 (hg19) VCF-style: chr11-68201315-C-T.
Other names: p.?; c.2257+9C>T (NM_001291902.2).
Identifiers: ClinVar variation 36481 (VCV000036481.61), dbSNP rs148685646, ClinGen allele CA201380.

ClinVar aggregate classification (germline): Benign/Likely benign. Review status: criteria provided, multiple submitters, no conflicts (2 of 4 stars). 14 submissions from 13 submitters: Benign (7); Likely benign (4). 3 of the submissions do not count toward it. Last evaluated 2026-09-01.

Conditions:
Disorder of bone. Also called: Rare bone disease related to a common gene or pathway defect; Bone disease; Bone disorder. Identifiers: Orphanet 364803, MedGen C0005940, MONDO:0005381.
Osteogenesis imperfecta (OI). Identifiers: Orphanet 666, MedGen C0029434, MeSH D010013, MONDO:0019019.

Allele frequency attached by ClinVar (database versions not stated): 1000 Genomes Project 30x 0.00265; 1000 Genomes Project 0.00240; gnomAD 0.00389 and 0.00397; gnomAD exomes 0.00494 and 0.00524; ExAC 0.00586; ESP Exome Variant Server 0.00432; TOPMed 0.00427.
gnomAD v4.1: 7,890 of 1,610,128 alleles (0.49%); highest among the groups gnomAD compares: Middle Eastern, 1.9%; 34 homozygotes.

Submissions (14):

CeGaT Center for Human Genetics Tuebingen
Classification: Likely benign. Last evaluated: 2026-09-01. Review status: criteria provided, single submitter. Criteria: CeGaT Center For Human Genetics Tuebingen Variant Classification Criteria Version 2. Collection method: clinical testing. Allele origin: germline. Affected: yes. Observed: 16 variant alleles.
Comment: LRP5: BS2

Labcorp Genetics (formerly Invitae), Labcorp
Classification: Benign. Last evaluated: 2026-02-02. Review status: criteria provided, single submitter. Criteria: Invitae Variant Classification Sherloc (09022015). Collection method: clinical testing. Allele origin: germline.

Genome Diagnostics Laboratory, The Hospital for Sick Children
Classification: Benign for Disorder of bone. Last evaluated: 2025-04-29. Review status: criteria provided, single submitter. Criteria: ACMG Guidelines, 2015. Collection method: clinical testing. Allele origin: germline. Affected: yes.
Comment: This intronic variant is classified as Benign (ACMG criteria - BS1, BS2, BP6, BP4)

Women's Health and Genetics/Laboratory Corporation of America, LabCorp
Classification: Benign. Last evaluated: 2025-01-08. Review status: criteria provided, single submitter. Criteria: LabCorp Variant Classification Summary - May 2015. Collection method: clinical testing. Allele origin: germline.
Comment: Variant summary: LRP5 c.4000+9C>T alters a nucleotide located at a position not widely known to affect splicing. Consensus agreement among computation tools predict no significant impact on normal splicing (TrAP). However, these predictions have yet to be confirmed by functional studies. The variant allele was found at a frequency of 0.0052 in 237960 control chromosomes, predominantly at a frequency of 0.0055 within the Non-Finnish European subpopulation in the gnomAD database, including 1 homozygotes. The observed variant frequency within Non-Finnish European control individuals in the gnomAD database is approximately 41.064 fold of the estimated maximal expected allele frequency for a pathogenic variant in LRP5 causing Idiopathic Osteoporosis phenotype (0.00013). To our knowledge, no occurrence of c.4000+9C>T in individuals affected with Idiopathic Osteoporosis and no experimental evidence demonstrating its impact on protein function have been reported. ClinVar contains an entry for this variant (Variation ID: 36481). Based on the evidence outlined above, the variant was classified as benign.

Blueprint Genetics
Classification: Likely benign. Last evaluated: 2024-11-26. Review status: criteria provided, single submitter. Criteria: ACMG Guidelines, 2015. Collection method: clinical testing. Allele origin: germline.

Mayo Clinic Laboratories, Mayo Clinic
Classification: Benign. Last evaluated: 2024-01-23. Review status: criteria provided, single submitter. Criteria: ACMG Guidelines, 2015. Collection method: clinical testing. Allele origin: germline. Observed: 6 variant alleles.
Comment: BS1, BS2, BP4, BP7

Genetic Services Laboratory, University of Chicago
Classification: Benign. Last evaluated: 2021-06-28. Review status: criteria provided, single submitter. Criteria: ACMG Guidelines, 2015. Collection method: clinical testing. Allele origin: germline. Affected: no.

Genome Diagnostics Laboratory, The Hospital for Sick Children
Classification: Benign for Osteogenesis imperfecta. Last evaluated: 2021-05-13. Review status: criteria provided, single submitter. Criteria: ACMG Guidelines, 2015. Collection method: clinical testing. Allele origin: germline.

GeneDx
Classification: Benign. Last evaluated: 2015-03-03. Review status: criteria provided, single submitter. Criteria: GeneDx Variant Classification Process June 2021. Collection method: clinical testing. Allele origin: germline. Affected: yes.

Eurofins Ntd Llc (ga)
Classification: Likely benign. Last evaluated: 2014-11-07. Review status: criteria provided, single submitter. Criteria: EGL Classification Definitions 2015. Collection method: clinical testing. Allele origin: germline. Observed: 2 variant alleles, 1 heterozygote, 1 homozygote.

PreventionGenetics, part of Exact Sciences
Classification: Likely benign. Review status: criteria provided, single submitter. Criteria: ACMG Guidelines, 2015. Collection method: clinical testing. Allele origin: germline.

Clinical Genetics DNA and cytogenetics Diagnostics Lab, Erasmus MC, Erasmus Medical Center
Classification: Likely benign. Review status: no assertion criteria provided. Collection method: clinical testing. Allele origin: germline. Affected: yes. Study: VKGL Data-share Consensus. Not counted in ClinVar's aggregate classification.

Clinical Genetics, Academic Medical Center
Classification: Likely benign. Review status: no assertion criteria provided. Collection method: clinical testing. Allele origin: germline. Affected: yes. Study: VKGL Data-share Consensus. Not counted in ClinVar's aggregate classification.

Genome Diagnostics Laboratory, Amsterdam University Medical Center
Classification: Likely benign. Review status: no assertion criteria provided. Collection method: clinical testing. Allele origin: germline. Affected: yes. Study: VKGL Data-share Consensus. Not counted in ClinVar's aggregate classification.